The following is an entry in ClinVar:

ClinVar aggregate classification (germline): Likely benign (1 of 4 stars; one submission).

gnomAD v4.1: 130 of 1,581,116 alleles (0.0082%); highest among the groups gnomAD compares: Non-Finnish European, 0.011%; no homozygotes.

Submission:

Molecular Diagnostic Laboratory for Inherited Cardiovascular Disease, Montreal Heart Institute
Classification: Likely benign. Last evaluated: 2026-03-27. Review status: criteria provided, single submitter. Criteria: ACMG Guidelines, 2015. Collection method: clinical testing. Allele origin: germline. Affected: no.
Comment: BP7

NM_016203.4(PRKAG2):c.1678+135T>C

Gene: PRKAG2 (protein kinase AMP-activated non-catalytic subunit gamma 2; minus strand). Cytogenetic location: 7q36.1.
Variant type: single nucleotide variant.
Coding change: c.1678+135T>C on transcript NM_016203.4 (MANE Select); 135 bases into the intron after coding-DNA position 1678, T replaced by C.
Molecular consequence: intron variant. On other transcripts: missense variant (7).
Genome position (GRCh38, 1-based): chr7:151,560,389, A>G on the plus strand (T>C on the coding strand, the complement: PRKAG2 is on the minus strand). VCF-style: chr7-151560389-A-G. GRCh37 (hg19) VCF-style: chr7-151257475-A-G.
Other names: c.1813T>C, p.Phe605Leu (NM_001407021.1); c.1810T>C, p.Phe604Leu (NM_001407022.1); c.1441T>C, p.Phe481Leu (NM_001407028.1); c.1438T>C, p.Phe480Leu (NM_001407029.1); c.1090T>C, p.Phe364Leu (NM_001407034.1, NM_001407035.1); c.1087T>C, p.Phe363Leu (NM_001407036.1); c.1387+135T>C (NM_001407031.1); c.1390+135T>C (NM_001407030.1); and 11 more; short protein forms F363L, F364L, F480L, F481L, F604L, F605L.
Identifiers: ClinVar variation 4820481 (VCV004820481.1), dbSNP rs772016660.
Genomic context (GRCh38, chr7:151,560,389, plus strand): 5'-CTATACACTTTCCTCACTCACGCAGAACACTTAAACTTCCCAACTGAAGAGAAAACGAAA[A>G]TGGTTTCAAAGTAATATACTCAAAGCCTTGATCTGTAGGTGGGTGGAGAAATGATGGTTT-3'